The following is an entry in ClinVar:

ClinVar aggregate classification (germline): Likely pathogenic (0 of 4 stars; one submission).

Conditions:
ABAT-related disorder. Also called: ABAT-related condition.

Submission:

PreventionGenetics, part of Exact Sciences
Classification: Likely pathogenic for ABAT-related condition. Last evaluated: 2024-08-28. Review status: no assertion criteria provided. Collection method: clinical testing. Allele origin: germline.
Comment: The ABAT c.1278C>A variant is predicted to result in premature protein termination (p.Tyr426*). To our knowledge, this variant has not been reported in the literature or in a large population database, indicating this variant is rare. To date, only one nonsense variant (NM_020686.5: c.231C>G, p.Tyr77*) in the heterozygous state has been reported in a study of exome sequencing in developmental disorders, but it was among secondary findings that were regarded as a carrier status for autosomal recessive disorders (reported in Supplementary table S5 as NM_000663.4: c.231C>G, p.Tyr77* in Gieldon et al. 2018. PubMed ID: 30091983). However, a few large deletions in this gene have been reported in patients with GABA-transaminase deficiency or relevant diseases and supports loss-of-function as a disease mechanism (Tsuji et al. 2010. PubMed ID: 20052547; Medina-Kauwe et al. 1999. PubMed ID: 10407778; Coppola et al. 2019. PubMed ID: 30866059, 0.5Mb deletion including partial ABAT as 16p13.2:8368145-8860296 in Table 3). This variant is interpreted as likely pathogenic.

NM_020686.6(ABAT):c.1278C>A (p.Tyr426Ter)

Gene: ABAT (4-aminobutyrate aminotransferase; plus strand). Cytogenetic location: 16p13.2.
Variant type: single nucleotide variant.
Coding change: c.1278C>A on transcript NM_020686.6 (MANE Select); coding-DNA position 1278, C replaced by A.
Protein change: p.Tyr426Ter; replaces tyrosine 426 with a stop codon.
Molecular consequence: nonsense. On other transcripts: intron variant (1).
Genome position (GRCh38, 1-based): chr16:8,779,487, C>A. VCF-style: chr16-8779487-C-A. GRCh37 (hg19) VCF-style: chr16-8873344-C-A.
Other names: c.1278C>A, p.Tyr426Ter (NM_000663.5, NM_001127448.2, NM_001386600.1 and 5 more transcripts); c.1239C>A, p.Tyr413Ter (NM_001386605.1); c.1215C>A, p.Tyr405Ter (NM_001386606.1, NM_001386607.1); c.1185C>A, p.Tyr395Ter (NM_001386608.1); c.1143C>A, p.Tyr381Ter (NM_001386610.1, NM_001386611.1); c.1080C>A, p.Tyr360Ter (NM_001386612.1, NM_001386613.1); c.1032C>A, p.Tyr344Ter (NM_001386614.1); c.1374C>A, p.Tyr458Ter (NM_001386615.1); and 1 more; short protein forms Y344*, Y360*, Y381*, Y395*, Y405*, Y413*, Y426*, Y458*.
Identifiers: ClinVar variation 3351771 (VCV003351771.1).